The following is an entry in ClinVar:

ClinVar aggregate classification (germline): Likely benign (1 of 4 stars; one submission).

Submission:

GeneDx
Classification: Likely benign. Last evaluated: 2017-01-25. Review status: criteria provided, single submitter. Criteria: GeneDx Variant Classification (06012015). Collection method: clinical testing. Allele origin: germline. Affected: yes.
Comment: This variant is considered likely benign or benign based on one or more of the following criteria: it is a conservative change, it occurs at a poorly conserved position in the protein, it is predicted to be benign by multiple in silico algorithms, and/or has population frequency not consistent with disease.

NM_020247.5(COQ8A):c.1110T>C (p.Ser370=)

Gene: COQ8A (coenzyme Q8A; plus strand). Cytogenetic location: 1q42.13.
Variant type: single nucleotide variant.
Coding change: c.1110T>C on transcript NM_020247.5 (MANE Select); coding-DNA position 1110, T replaced by C.
Protein change: p.Ser370=; no amino-acid change (serine 370 retained).
Molecular consequence: synonymous variant.
Genome position (GRCh38, 1-based): chr1:226,983,581, T>C. VCF-style: chr1-226983581-T-C. GRCh37 (hg19) VCF-style: chr1-227171282-T-C.
Identifiers: ClinVar variation 506775 (VCV000506775.1), dbSNP rs1179877249, ClinGen allele CA423526860.